The following is an entry in ClinVar:

ClinVar aggregate classification (germline): Likely benign. Review status: criteria provided, multiple submitters, no conflicts (2 of 4 stars). 4 submissions from 4 submitters: Likely benign (4). Last evaluated 2026-01-05.

Conditions:
Joubert syndrome. Also called: JOUBERT-BOLTSHAUSER SYNDROME; Familial aplasia of the vermis. Identifiers: Orphanet 475, MedGen C5979921, MONDO:0018772.
Nephronophthisis. Also called: Juvenile Nephronophthisis. Identifiers: Orphanet 655, MedGen C0687120, MONDO:0019005, HP:0000090.
Meckel-Gruber syndrome. Also called: DYSENCEPHALIA SPLANCHNOCYSTICA; GRUBER SYNDROME; Dysencephalia splachnocystica. Identifiers: Orphanet 564, MedGen C0265215, MONDO:0018921.
Meckel syndrome, type 4 (MKS4). Also called: MECKEL-GRUBER SYNDROME, TYPE 4. Identifiers: Orphanet 564, MedGen C1970161, MONDO:0012626, OMIM 611134.
Senior-Loken syndrome 6 (SLSN6). Identifiers: Orphanet 3156, MedGen C1857779, MONDO:0012433, OMIM 610189.
Joubert syndrome 5 (JBTS5). Identifiers: Orphanet 2318, MedGen C1857780, MONDO:0012432, OMIM 610188.
Bardet-Biedl syndrome 14 (BBS14). Identifiers: Orphanet 110, MedGen C2673874, MONDO:0014442, OMIM 615991.
Leber congenital amaurosis 10 (LCA10). Identifiers: Orphanet 65, MedGen C1857821, MONDO:0012723, OMIM 611755.

Allele frequency attached by ClinVar (database versions not stated): gnomAD exomes 0.00006 and 0.00017; gnomAD 0.00009 and 0.00010; TOPMed 0.00012; ExAC 0.00013.
gnomAD v4.1: 239 of 1,474,576 alleles (0.016%); highest among the groups gnomAD compares: Non-Finnish European, 0.021%; no homozygotes.

Submissions (4):

Labcorp Genetics (formerly Invitae), Labcorp
Classification: Likely benign for Joubert syndrome; Meckel-Gruber syndrome; Nephronophthisis. Last evaluated: 2026-01-05. Review status: criteria provided, single submitter. Criteria: Invitae Variant Classification Sherloc (09022015). Collection method: clinical testing. Allele origin: germline.

Blueprint Genetics
Classification: Likely benign. Last evaluated: 2024-10-30. Review status: criteria provided, single submitter. Criteria: ACMG Guidelines, 2015. Collection method: clinical testing. Allele origin: germline.

Fulgent Genetics
Classification: Likely benign for Joubert syndrome 5; Senior-Loken syndrome 6; Meckel syndrome, type 4; Leber congenital amaurosis 10; Bardet-Biedl syndrome 14. Last evaluated: 2022-03-17. Review status: criteria provided, single submitter. Criteria: ACMG Guidelines, 2015. Collection method: clinical testing. Allele origin: unknown.

GeneDx
Classification: Likely benign. Last evaluated: 2018-05-25. Review status: criteria provided, single submitter. Criteria: GeneDx Variant Classification (06012015). Collection method: clinical testing. Allele origin: germline. Affected: yes.
Comment: This variant is considered likely benign or benign based on one or more of the following criteria: it is a conservative change, it occurs at a poorly conserved position in the protein, it is predicted to be benign by multiple in silico algorithms, and/or has population frequency not consistent with disease.

NM_025114.4(CEP290):c.4438-13T>C

Gene: CEP290 (centrosomal protein 290; minus strand). Cytogenetic location: 12q21.32.
Variant type: single nucleotide variant.
Coding change: c.4438-13T>C on transcript NM_025114.4 (MANE Select); 13 bases into the intron before coding-DNA position 4438, T replaced by C.
Molecular consequence: intron variant.
Genome position (GRCh38, 1-based): chr12:88,084,865, A>G on the plus strand (T>C on the coding strand, the complement: CEP290 is on the minus strand). VCF-style: chr12-88084865-A-G. GRCh37 (hg19) VCF-style: chr12-88478642-A-G.
Identifiers: ClinVar variation 668642 (VCV000668642.14), dbSNP rs528298900, ClinGen allele CA6711931.
Genomic context (GRCh38, chr12:88,084,865, plus strand): 5'-TATATTTTGTTCTGCTAACCTTAAAGCAGATTCTTTCTCTTTTAGTTTCTGCAATGATTA[A>G]ATTATAATAAATCATTAAAGTATCTTTTTCCCTTTAAAATGCTTCATCTGAATTTTAGAT-3'